The following is an entry in ClinVar:

ClinVar aggregate classification (germline): Uncertain significance. Review status: criteria provided, multiple submitters, no conflicts (2 of 4 stars). 5 submissions from 5 submitters: Uncertain significance (4). 1 of the submissions does not count toward it. Last evaluated 2026-03-01.

Conditions:
Cohen syndrome (COH1). Also called: PEPPER SYNDROME; Cutis verticis gyrata, retinitis pigmentosa, and sensorineural deafness. Identifiers: Orphanet 193, MedGen C0265223, MONDO:0008999, OMIM 216550.
Inborn genetic diseases. Identifiers: MedGen C0950123, MeSH D030342.
VPS13B-related disorder. Also called: VPS13B-related condition.

Allele frequency attached by ClinVar (database versions not stated): ExAC 0.00003; gnomAD 0.00003 and 0.00004; gnomAD exomes 0.00005; TOPMed 0.00006.
gnomAD v4.1: 33 of 1,613,928 alleles (0.002%); highest among the groups gnomAD compares: Admixed American, 0.013%; no homozygotes.

Submissions (5):

PreventionGenetics, part of Exact Sciences
Classification: Uncertain significance for VPS13B-related condition. Last evaluated: 2026-03-01. Review status: criteria provided, single submitter. Criteria: ACMG Guidelines, 2015. Collection method: clinical testing. Allele origin: germline.
Comment: The VPS13B c.5378G>A variant is predicted to result in the amino acid substitution p.Arg1793His. This variant is also referred as NM_017890.4:c.5453G>A, p.Arg1818His. To our knowledge, this variant has not been reported in the literature. This variant is reported in 0.023% of alleles in individuals of Latino descent in gnomAD. At this time, the clinical significance of this variant is uncertain due to the absence of conclusive functional and genetic evidence.

Ambry Genetics
Classification: Uncertain significance for Inborn genetic diseases. Last evaluated: 2025-04-13. Review status: criteria provided, single submitter. Criteria: Ambry Variant Classification Scheme 2023. Collection method: clinical testing. Allele origin: germline.

Labcorp Genetics (formerly Invitae), Labcorp
Classification: Uncertain significance for Cohen syndrome. Last evaluated: 2024-06-17. Review status: criteria provided, single submitter. Criteria: Invitae Variant Classification Sherloc (09022015). Collection method: clinical testing. Allele origin: germline.
Comment: This sequence change replaces arginine with histidine at codon 1818 of the VPS13B protein (p.Arg1818His). The arginine residue is moderately conserved and there is a small physicochemical difference between arginine and histidine. This variant is present in population databases (rs763703607, gnomAD 0.02%). This variant has not been reported in the literature in individuals affected with VPS13B-related conditions. ClinVar contains an entry for this variant (Variation ID: 528843). Advanced modeling of protein sequence and biophysical properties (such as structural, functional, and spatial information, amino acid conservation, physicochemical variation, residue mobility, and thermodynamic stability) performed at Invitae indicates that this missense variant is expected to disrupt VPS13B protein function with a positive predictive value of 80%. In summary, the available evidence is currently insufficient to determine the role of this variant in disease. Therefore, it has been classified as a Variant of Uncertain Significance.

Revvity Omics, Revvity
Classification: Uncertain significance for Cohen syndrome. Last evaluated: 2021-07-17. Review status: criteria provided, single submitter. Criteria: ACMG Guidelines, 2015. Collection method: clinical testing. Allele origin: germline.

Natera, Inc.
Classification: Uncertain significance for Cohen syndrome. Last evaluated: 2019-11-11. Review status: no assertion criteria provided. Collection method: clinical testing. Allele origin: germline. Not counted in ClinVar's aggregate classification.

NM_152564.5(VPS13B):c.5378G>A (p.Arg1793His)

Gene: VPS13B (vacuolar protein sorting 13 homolog B; plus strand). Cytogenetic location: 8q22.2.
Variant type: single nucleotide variant.
Coding change: c.5378G>A on transcript NM_152564.5 (MANE Select); coding-DNA position 5378, G replaced by A.
Protein change: p.Arg1793His; replaces arginine 1793 with histidine.
Molecular consequence: missense variant.
Genome position (GRCh38, 1-based): chr8:99,641,968, G>A. VCF-style: chr8-99641968-G-A. GRCh37 (hg19) VCF-style: chr8-100654196-G-A.
Other names: c.5378G>A (NM_152564.4); c.5453G>A (NM_017890.3); c.5453G>A, p.Arg1818His (NM_017890.5); short protein forms R1793H, R1818H.
Identifiers: ClinVar variation 528843 (VCV000528843.15), dbSNP rs763703607, ClinGen allele CA4823813.
Genomic context (GRCh38, chr8:99,641,968, plus strand): 5'-GTGACAGTGTTAAAATCAGAATAGTGCAAATAGAGCAGCACAGTGGTGCCAGTCAGCATC[G>A]CATTGCCCGTCCCTCACGCCAGTCATCAATTGTAAAAAATCTAAATTTTATTCCCTTTGA-3'
Protein context (NP_689777.3, residues 1783-1803): IEQHSGASQH[Arg1793His]IARPSRQSSI